The following is an entry in ClinVar:

ClinVar aggregate classification (germline): Uncertain significance (1 of 4 stars; one submission).

Conditions:
Genitopatellar syndrome (GTPTS). Also called: Genitopatellar syndrome (GPS); ABSENT PATELLAE, SCROTAL HYPOPLASIA, RENAL ANOMALIES, FACIAL DYSMORPHISM, AND MENTAL RETARDATION. Identifiers: Orphanet 85201, MedGen C1853566, MONDO:0011640, OMIM 606170.

Allele frequency attached by ClinVar (database versions not stated): TOPMed below 0.00001; gnomAD 0.00001; gnomAD exomes 0.00001; ExAC 0.00002.
gnomAD v4.1: 20 of 1,614,102 alleles (0.0012%); highest among the groups gnomAD compares: Non-Finnish European, 0.0016%; no homozygotes.

Submission:

Labcorp Genetics (formerly Invitae), Labcorp
Classification: Uncertain significance for Genitopatellar syndrome. Last evaluated: 2023-11-18. Review status: criteria provided, single submitter. Criteria: Invitae Variant Classification Sherloc (09022015). Collection method: clinical testing. Allele origin: germline.
Comment: This sequence change replaces proline, which is neutral and non-polar, with leucine, which is neutral and non-polar, at codon 1811 of the KAT6B protein (p.Pro1811Leu). This variant is present in population databases (rs777234738, gnomAD 0.002%). This variant has not been reported in the literature in individuals affected with KAT6B-related conditions. An algorithm developed to predict the effect of missense changes on protein structure and function (PolyPhen-2) suggests that this variant is likely to be disruptive. In summary, the available evidence is currently insufficient to determine the role of this variant in disease. Therefore, it has been classified as a Variant of Uncertain Significance.

NM_012330.4(KAT6B):c.5432C>T (p.Pro1811Leu)

Gene: KAT6B (lysine acetyltransferase 6B; plus strand). Cytogenetic location: 10q22.2.
Variant type: single nucleotide variant.
Coding change: c.5432C>T on transcript NM_012330.4 (MANE Select); coding-DNA position 5432, C replaced by T.
Protein change: p.Pro1811Leu; replaces proline 1811 with leucine.
Molecular consequence: missense variant.
Genome position (GRCh38, 1-based): chr10:75,030,256, C>T. VCF-style: chr10-75030256-C-T. GRCh37 (hg19) VCF-style: chr10-76790014-C-T.
Other names: c.4883C>T, p.Pro1628Leu (NM_001256468.2, NM_001370138.1); c.4556C>T, p.Pro1519Leu (NM_001256469.2, NM_001370142.1, NM_001370139.1 and 2 more transcripts); c.4367C>T, p.Pro1456Leu (NM_001370143.1, NM_001370144.1); c.4394C>T, p.Pro1465Leu (NM_001370132.1); c.3743C>T, p.Pro1248Leu (NM_001370133.1); c.3347C>T, p.Pro1116Leu (NM_001370134.1); c.3089C>T, p.Pro1030Leu (NM_001370135.1); c.5432C>T, p.Pro1811Leu (NM_001370136.1, NM_001370137.1); short protein forms P1116L, P1248L, P1456L, P1628L, P1465L, P1519L, P1811L, P1030L.
Identifiers: ClinVar variation 2714799 (VCV002714799.3), dbSNP rs777234738, ClinGen allele CA5565200.
Genomic context (GRCh38, chr10:75,030,256, plus strand): 5'-ACATTGGCTTATACGAGCGAATGGGTCAGAGTGATTTTGGGGCTGGGCATTACCCGCAGC[C>T]GTCAGCCACCTTCAGCCTTGCCAAACTGCAGCAGTTAACTAATACACTTATTGATCATTC-3'
Protein context (NP_036462.2, residues 1801-1821): SDFGAGHYPQ[Pro1811Leu]SATFSLAKLQ